The following is an entry in ClinVar:

NM_001164665.2(KIAA1549):c.1972T>A (p.Phe658Ile)

Gene: KIAA1549 (KIAA1549; minus strand). Cytogenetic location: 7q34.
Variant type: single nucleotide variant.
Coding change: c.1972T>A on transcript NM_001164665.2 (MANE Select); coding-DNA position 1972, T replaced by A.
Protein change: p.Phe658Ile; replaces phenylalanine 658 with isoleucine.
Molecular consequence: missense variant.
Genome position (GRCh38, 1-based): chr7:138,917,654, A>T on the plus strand (T>A on the coding strand, the complement: KIAA1549 is on the minus strand). VCF-style: chr7-138917654-A-T. GRCh37 (hg19) VCF-style: chr7-138602400-A-T.
Other names: c.1972T>A, p.Phe658Ile (NM_020910.3); c.1972T>A (NM_001164665.1); short protein forms F658I.
Identifiers: ClinVar variation 2894058 (VCV002894058.2), dbSNP rs781751712, ClinGen allele CA4506590.
Genomic context (GRCh38, chr7:138,917,654, plus strand): 5'-GATCACTAGAGTCAAACAATGTAAATGTCTCAACCAAGGGAGAAAAAGACTGAGATGTGA[A>T]GGGGGACAAGTCACTCGGCATCAGAGACAGAGACGCAGGTGCTTCCGAAGGCGAAGAGAT-3'
Protein context (NP_001158137.1, residues 648-668): LSLMPSDLSP[Phe658Ile]TSQSFSPLVE

ClinVar aggregate classification (germline): Uncertain significance. Review status: criteria provided, multiple submitters, no conflicts (2 of 4 stars). 2 submissions from 2 submitters: Uncertain significance (2). Last evaluated 2025-08-04.

Conditions:
Inborn genetic diseases. Identifiers: MedGen C0950123, MeSH D030342.

Allele frequency attached by ClinVar (database versions not stated): gnomAD 0.00001; TOPMed 0.00001; ExAC 0.00002; gnomAD exomes 0.00003.
gnomAD v4.1: 43 of 1,613,088 alleles (0.0027%); highest among the groups gnomAD compares: Non-Finnish European, 0.0034%; no homozygotes.

Submissions (2):

Ambry Genetics
Classification: Uncertain significance for Inborn genetic diseases. Last evaluated: 2025-08-04. Review status: criteria provided, single submitter. Criteria: Ambry Variant Classification Scheme 2023. Collection method: clinical testing. Allele origin: germline.

Labcorp Genetics (formerly Invitae), Labcorp
Classification: Uncertain significance. Last evaluated: 2023-02-11. Review status: criteria provided, single submitter. Criteria: Invitae Variant Classification Sherloc (09022015). Collection method: clinical testing. Allele origin: germline.
Comment: This sequence change replaces phenylalanine, which is neutral and non-polar, with isoleucine, which is neutral and non-polar, at codon 658 of the KIAA1549 protein (p.Phe658Ile). This variant is present in population databases (rs781751712, gnomAD 0.003%). This variant has not been reported in the literature in individuals affected with KIAA1549-related conditions. Algorithms developed to predict the effect of missense changes on protein structure and function output the following: SIFT: "Tolerated"; PolyPhen-2: "Benign"; Align-GVGD: "Class C0". The isoleucine amino acid residue is found in multiple mammalian species, which suggests that this missense change does not adversely affect protein function. In summary, the available evidence is currently insufficient to determine the role of this variant in disease. Therefore, it has been classified as a Variant of Uncertain Significance.